The following is an entry in ClinVar:

ClinVar aggregate classification (germline): Benign/Likely benign. Review status: criteria provided, multiple submitters, no conflicts (2 of 4 stars). 4 submissions from 4 submitters: Benign (1); Likely benign (3). Last evaluated 2024-12-16.

Conditions:
Hereditary cancer-predisposing syndrome. Also called: Tumor predisposition; Neoplastic Syndromes, Hereditary; Hereditary neoplastic syndrome; Hereditary Cancer Syndrome. Identifiers: Orphanet 140162, MedGen C0027672, MeSH D009386, MONDO:0015356.
Lynch syndrome 5 (LYNCH5). Also called: Hereditary non-polyposis colorectal cancer, type 5; Colorectal cancer, hereditary nonpolyposis, type 5. Identifiers: Orphanet 144, MedGen C1833477, MONDO:0013710, OMIM 614350. Disease mechanism: loss of function.
Hereditary nonpolyposis colorectal neoplasms. Identifiers: MedGen C0009405, MeSH D003123.

Submissions (4):

Myriad Genetics, Inc.
Classification: Benign for Lynch syndrome 5. Last evaluated: 2024-12-16. Review status: criteria provided, single submitter. Criteria: Myriad Autosomal Dominant, Autosomal Recessive and X-Linked Classification Criteria (2023). Collection method: clinical testing. Allele origin: unknown.
Comment: This variant is considered benign. This variant is a silent/synonymous amino acid change and it is not expected to impact splicing.

Labcorp Genetics (formerly Invitae), Labcorp
Classification: Likely benign for Hereditary nonpolyposis colorectal neoplasms. Last evaluated: 2024-04-22. Review status: criteria provided, single submitter. Criteria: Invitae Variant Classification Sherloc (09022015). Collection method: clinical testing. Allele origin: germline.

Ambry Genetics
Classification: Likely benign for Hereditary cancer-predisposing syndrome. Last evaluated: 2023-10-01. Review status: criteria provided, single submitter. Criteria: Ambry Variant Classification Scheme 2023. Collection method: clinical testing. Allele origin: germline.

Color Diagnostics, LLC DBA Color Health
Classification: Likely benign for Hereditary cancer-predisposing syndrome. Last evaluated: 2018-06-07. Review status: criteria provided, single submitter. Criteria: ACMG Guidelines, 2015. Collection method: clinical testing. Allele origin: germline.

NM_000179.3(MSH6):c.33C>T (p.Phe11=)

Gene: MSH6 (mutS homolog 6; plus strand). Cytogenetic location: 2p16.3.
Variant type: single nucleotide variant.
Coding change: c.33C>T on transcript NM_000179.3 (MANE Select); coding-DNA position 33, C replaced by T.
Protein change: p.Phe11=; no amino-acid change (phenylalanine 11 retained).
Molecular consequence: synonymous variant. On other transcripts: 5 prime UTR variant (1).
Genome position (GRCh38, 1-based): chr2:47,783,266, C>T. VCF-style: chr2-47783266-C-T. GRCh37 (hg19) VCF-style: chr2-48010405-C-T.
Other names: c.33C>T, p.Phe11= (NM_001281492.2); c.-704C>T (NM_001281493.2).
Identifiers: ClinVar variation 630498 (VCV000630498.7), dbSNP rs747802641, ClinGen allele CA425986887.